The following is an entry in ClinVar:

ClinVar aggregate classification (germline): Uncertain significance (1 of 4 stars; one submission).

gnomAD v4.1: 16 of 1,594,444 alleles (0.001%); highest among the groups gnomAD compares: Non-Finnish European, 0.0014%; no homozygotes.

Submission:

GeneDx
Classification: Uncertain significance. Last evaluated: 2024-09-17. Review status: criteria provided, single submitter. Criteria: GeneDx Variant Classification Process June 2021. Collection method: clinical testing. Allele origin: germline. Affected: yes.
Comment: Not observed at significant frequency in large population cohorts (gnomAD); In silico analysis indicates that this missense variant does not alter protein structure/function; Has not been previously published as pathogenic or benign to our knowledge

NM_001009944.3(PKD1):c.1895A>G (p.Asn632Ser)

Gene: PKD1 (polycystin 1, transient receptor potential channel interacting; minus strand). Cytogenetic location: 16p13.3.
Variant type: single nucleotide variant.
Coding change: c.1895A>G on transcript NM_001009944.3 (MANE Select); coding-DNA position 1895, A replaced by G.
Protein change: p.Asn632Ser; replaces asparagine 632 with serine.
Molecular consequence: missense variant.
Genome position (GRCh38, 1-based): chr16:2,115,580, T>C on the plus strand (A>G on the coding strand, the complement: PKD1 is on the minus strand). VCF-style: chr16-2115580-T-C. GRCh37 (hg19) VCF-style: chr16-2165581-T-C.
Other names: c.1895A>G, p.Asn632Ser (NM_000296.4); short protein forms N632S.
Identifiers: ClinVar variation 3769982 (VCV003769982.1).